The following is an entry in ClinVar:

ClinVar aggregate classification (germline): Pathogenic/Likely pathogenic. Review status: criteria provided, multiple submitters, no conflicts (2 of 4 stars). 4 submissions from 4 submitters: Pathogenic (1); Likely pathogenic (3). Last evaluated 2025-10-14.

Conditions:
Neurofibromatosis, type 1 (NF1). Also called: VON RECKLINGHAUSEN DISEASE; NEUROFIBROMATOSIS, TYPE I, SOMATIC; Peripheral type neurofibromatosis; Neurofibromatosis, type I. Identifiers: Orphanet 636, MedGen C0027831, MONDO:0018975, OMIM 162200. Disease mechanism: loss of function.
NF1-related disorder. Also called: NF1-related condition. Identifiers: MedGen CN379171.

Submissions (4):

PreventionGenetics, part of Exact Sciences
Classification: Likely pathogenic for NF1-related condition. Last evaluated: 2025-10-14. Review status: criteria provided, single submitter. Criteria: ACMG Guidelines, 2015. Collection method: clinical testing. Allele origin: germline.
Comment: The NF1 c.4733C>A variant is predicted to result in the amino acid substitution p.Ser1578Tyr. This variant was reported in an individual with neurofibromatosis 1 (NF1) (Napolitano et al. 2022. PubMed ID: 35885913). This variant has not been reported in a large population database (gnomAD), indicating this variant is rare and is classified as likely pathogenic or pathogenic in ClinVar (Variation ID: 996490). Similar variants at this codon (p.Ser1578Phe and p.Ser1578Pro) have been reported in individuals with clinical features of NF1 (Bendova et al. 2007. PubMed ID: 17726231, Sabbagh et al. 2013. PubMed ID: 23913538), indicating this codon is clinically relevant. This variant is interpreted as likely pathogenic.

Genome Diagnostics Laboratory, The Hospital for Sick Children
Classification: Likely pathogenic for Neurofibromatosis, type 1. Last evaluated: 2024-03-04. Review status: criteria provided, single submitter. Criteria: ACMG Guidelines, 2015. Collection method: clinical testing. Allele origin: germline. Affected: yes.
Comment: This missense variant results in a change from serine to tyrosinee at amino acid position 1578. It has been reported previously in individuals with Neurofibromatosis type 1 (PMIDs: 35885913; SickKids internal data). In silico prediction programs predict this variant to impact protein function. This variant has not been observed in population controls of the Genome Aggregation Database (gnomAD). Based on the evidence above, this variant is classified as likely pathogenic (ACMG criteria - PS4, PM2, PP3, PP4, PP5).

Labcorp Genetics (formerly Invitae), Labcorp
Classification: Pathogenic for Neurofibromatosis, type 1. Last evaluated: 2023-08-19. Review status: criteria provided, single submitter. Criteria: Invitae Variant Classification Sherloc (09022015). Collection method: clinical testing. Allele origin: germline.
Comment: ClinVar contains an entry for this variant (Variation ID: 996490). This missense change has been observed in individual(s) with neurofibromatosis type 1 (PMID: 35885913; Invitae). This variant is not present in population databases (gnomAD no frequency). This sequence change replaces serine, which is neutral and polar, with tyrosine, which is neutral and polar, at codon 1578 of the NF1 protein (p.Ser1578Tyr). Advanced modeling of protein sequence and biophysical properties (such as structural, functional, and spatial information, amino acid conservation, physicochemical variation, residue mobility, and thermodynamic stability) performed at Invitae indicates that this missense variant is expected to disrupt NF1 protein function. For these reasons, this variant has been classified as Pathogenic.

CeGaT Center for Human Genetics Tuebingen
Classification: Likely pathogenic. Last evaluated: 2023-01-01. Review status: criteria provided, single submitter. Criteria: CeGaT Center For Human Genetics Tuebingen Variant Classification Criteria Version 2. Collection method: clinical testing. Allele origin: germline. Affected: yes. Observed: 3 variant alleles.

Literature cited by the submitters: PubMed 35885913 (cited by Labcorp Genetics (formerly Invitae), Labcorp).

NM_001042492.3(NF1):c.4796C>A (p.Ser1599Tyr)

Gene: NF1 (neurofibromin 1; plus strand). Cytogenetic location: 17q11.2.
Variant type: single nucleotide variant.
Coding change: c.4796C>A on transcript NM_001042492.3 (MANE Select); coding-DNA position 4796, C replaced by A.
Protein change: p.Ser1599Tyr; replaces serine 1599 with tyrosine.
Molecular consequence: missense variant.
Genome position (GRCh38, 1-based): chr17:31,265,300, C>A. VCF-style: chr17-31265300-C-A. GRCh37 (hg19) VCF-style: chr17-29592318-C-A.
Other names: c.4733C>A, p.Ser1578Tyr (NM_000267.4); short protein forms S1578Y, S1599Y.
Identifiers: ClinVar variation 996490 (VCV000996490.36), dbSNP rs1555619407, ClinGen allele CA399001310.